The following is an entry in ClinVar:

NM_032043.3(BRIP1):c.3292_3302delinsTTGTCTCTGGATCCAG (p.Ala1098fs)

Gene: BRIP1 (BRCA1 interacting DNA helicase 1; minus strand). Cytogenetic location: 17q23.2.
Variant type: Indel.
Coding change: c.3292_3302delinsTTGTCTCTGGATCCAG on transcript NM_032043.3 (MANE Select); coding-DNA positions 3292 to 3302, GCCCTGGATCC replaced by TTGTCTCTGGATCCAG.
Protein change: p.Ala1098fs; shifts the reading frame from alanine 1098.
Molecular consequence: frameshift variant.
Genome position (GRCh38, 1-based): chr17:61,683,744-61,683,754, GGATCCAGGGC replaced by CTGGATCCAGAGACAA on the plus strand (GCCCTGGATCC replaced by TTGTCTCTGGATCCAG on the coding strand, the reverse complement: BRIP1 is on the minus strand). VCF-style: chr17-61683744-GGATCCAGGGC-CTGGATCCAGAGACAA. GRCh37 (hg19) VCF-style: chr17-59761105-GGATCCAGGGC-CTGGATCCAGAGACAA.
Other names: c.3292_3302delGCCCTGGATCCinsTTGTCTCTGGATCCAG (NM_032043.2); short protein forms A1098fs.
Identifiers: ClinVar variation 545836 (VCV000545836.3), dbSNP rs1555572707, ClinGen allele CA658824188.

ClinVar aggregate classification (germline): Uncertain significance (1 of 4 stars; one submission).

Submission:

GeneDx
Classification: Uncertain significance. Last evaluated: 2017-10-31. Review status: criteria provided, single submitter. Criteria: GeneDx Variant Classification (06012015). Collection method: clinical testing. Allele origin: germline. Affected: yes.
Comment: This combined deletion and insertion is denoted BRIP1 c.3292_3302del11ins16 at the cDNA level and p.Ala1098LeufsX12 (A1098LfsX12) at the protein level. The surrounding sequence is AGAA[del11][ins16]AGAC. The variant causes a frameshift which changes an Alanine to a Leucine at codon 1098, and creates a premature stop codon at position 12 of the new reading frame. Due to the position of the variant, nonsense mediated decay is not expected to occur, but the variant might cause loss of normal protein function through protein truncation.?? The disrupted region at the end of the gene is not located in a known functional domain. This variant has not, to our knowledge, been reported in the literature. Based on currently available information, it is unclear whether this variant is pathogenic or benign. We consider it to be a variant of uncertain significance.